The following is an entry in ClinVar:

ClinVar aggregate classification (germline): Uncertain significance. Review status: criteria provided, single submitter (1 of 4 stars). 2 submissions from 2 submitters: Uncertain significance (1). 1 of the submissions does not count toward it. Last evaluated 2025-05-25.

Conditions:
Inborn genetic diseases. Identifiers: MedGen C0950123, MeSH D030342.
Autosomal recessive nonsyndromic hearing loss 8 (DFNB8). Also called: NEUROSENSORY NONSYNDROMIC RECESSIVE DEAFNESS 8; Deafness, autosomal recessive 10. Identifiers: Orphanet 90636, MedGen C1832827, MONDO:0010987, OMIM 601072.

gnomAD v4.1: 1 of 1,613,604 alleles (0.000062%); highest among the groups gnomAD compares: Non-Finnish European, 0.000085%; no homozygotes.

Submissions (2):

Ambry Genetics
Classification: Uncertain significance for Inborn genetic diseases. Last evaluated: 2025-05-25. Review status: criteria provided, single submitter. Criteria: Ambry Variant Classification Scheme 2023. Collection method: clinical testing. Allele origin: germline.

Department of Pediatrics, Division of Medical Genetics, Faculty of Medicine Ramathibodi Hospital, Mahidol University
Classification: Likely pathogenic for Autosomal recessive nonsyndromic hearing loss 8. Last evaluated: 2025-03-12. Review status: no assertion criteria provided. Collection method: research. Allele origin: germline. Inheritance: Autosomal recessive inheritance. Affected: yes. Observed: 1 compound heterozygote. Not counted in ClinVar's aggregate classification.
Comment: In silico analysis indicates that this missense variant does not alter protein structure/function; Classified as likely pathogenic by the ClinGen Hearing Loss Expert Panel. This variant is not present in population databases (gnomAD no frequency). For these reasons, this variant has been classified as Likely-pathogenic.

NM_001256317.3(TMPRSS3):c.1193G>A (p.Gly398Glu)

Gene: TMPRSS3 (transmembrane serine protease 3; minus strand). Cytogenetic location: 21q22.3.
Variant type: single nucleotide variant.
Coding change: c.1193G>A on transcript NM_001256317.3 (MANE Select); coding-DNA position 1193, G replaced by A.
Protein change: p.Gly398Glu; replaces glycine 398 with glutamic acid.
Molecular consequence: missense variant.
Genome position (GRCh38, 1-based): chr21:42,375,867, C>T on the plus strand (G>A on the coding strand, the complement: TMPRSS3 is on the minus strand). VCF-style: chr21-42375867-C-T. GRCh37 (hg19) VCF-style: chr21-43795976-C-T.
Other names: c.1196G>A (NM_024022.2); c.1196G>A, p.Gly399Glu (NM_024022.4); c.815G>A, p.Gly272Glu (NM_032404.3); short protein forms G272E, G398E, G399E.
Identifiers: ClinVar variation 3774383 (VCV003774383.2).